The following is an entry in ClinVar:

ClinVar aggregate classification (germline): Uncertain significance (1 of 4 stars; one submission).

Conditions:
Medulloblastoma (MDB). Also called: Medulloblastoma, somatic; MEDULLOBLASTOMA PREDISPOSITION SYNDROME. Identifiers: Orphanet 616, MedGen C0025149, MeSH D008527, MONDO:0007959, OMIM 155255, HP:0002885.
Gorlin syndrome. Also called: Nevoid Basal Cell Carcinoma Syndrome; Basal cell nevus syndrome. Identifiers: Orphanet 377, MedGen C0004779, MONDO:0007187.

Submission:

Labcorp Genetics (formerly Invitae), Labcorp
Classification: Uncertain significance for Gorlin syndrome; Medulloblastoma. Last evaluated: 2021-08-19. Review status: criteria provided, single submitter. Criteria: Invitae Variant Classification Sherloc (09022015). Collection method: clinical testing. Allele origin: germline.
Comment: This sequence change replaces serine with cysteine at codon 288 of the SUFU protein (p.Ser288Cys). The serine residue is highly conserved and there is a moderate physicochemical difference between serine and cysteine. This variant is not present in population databases (ExAC no frequency). This variant has not been reported in the literature in individuals affected with SUFU-related conditions. Algorithms developed to predict the effect of missense changes on protein structure and function are either unavailable or do not agree on the potential impact of this missense change (SIFT: "Deleterious"; PolyPhen-2: "Probably Damaging"; Align-GVGD: "Class C0"). In summary, the available evidence is currently insufficient to determine the role of this variant in disease. Therefore, it has been classified as a Variant of Uncertain Significance.

NM_016169.4(SUFU):c.862A>T (p.Ser288Cys)

Gene: SUFU (SUFU negative regulator of hedgehog signaling; plus strand). Cytogenetic location: 10q24.32.
Variant type: single nucleotide variant.
Coding change: c.862A>T on transcript NM_016169.4 (MANE Select); coding-DNA position 862, A replaced by T.
Protein change: p.Ser288Cys; replaces serine 288 with cysteine.
Molecular consequence: missense variant.
Genome position (GRCh38, 1-based): chr10:102,597,245, A>T. VCF-style: chr10-102597245-A-T. GRCh37 (hg19) VCF-style: chr10-104357002-A-T.
Other names: c.862A>T, p.Ser288Cys (NM_001178133.2); short protein forms S288C.
Identifiers: ClinVar variation 1499712 (VCV001499712.6), dbSNP rs2135881950, ClinGen allele CA377910695.